The following is an entry in ClinVar:

NM_006231.4(POLE):c.3673G>A (p.Ala1225Thr)

Gene: POLE (DNA polymerase epsilon, catalytic subunit; minus strand). Cytogenetic location: 12q24.33.
Variant type: single nucleotide variant.
Coding change: c.3673G>A on transcript NM_006231.4 (MANE Select); coding-DNA position 3673, G replaced by A.
Protein change: p.Ala1225Thr; replaces alanine 1225 with threonine.
Molecular consequence: missense variant.
Genome position (GRCh38, 1-based): chr12:132,649,799, C>T on the plus strand (G>A on the coding strand, the complement: POLE is on the minus strand). VCF-style: chr12-132649799-C-T. GRCh37 (hg19) VCF-style: chr12-133226385-C-T.
Other names: short protein forms A1225T.
Identifiers: ClinVar variation 1489696 (VCV001489696.8), dbSNP rs2042381066, ClinGen allele CA387386666.

ClinVar aggregate classification (germline): Uncertain significance (1 of 4 stars; one submission).

Submission:

Labcorp Genetics (formerly Invitae), Labcorp
Classification: Uncertain significance. Last evaluated: 2021-01-25. Review status: criteria provided, single submitter. Criteria: Invitae Variant Classification Sherloc (09022015). Collection method: clinical testing. Allele origin: germline.
Comment: This sequence change replaces alanine with threonine at codon 1225 of the POLE protein (p.Ala1225Thr). The alanine residue is weakly conserved and there is a small physicochemical difference between alanine and threonine. Algorithms developed to predict the effect of missense changes on protein structure and function (SIFT, PolyPhen-2, Align-GVGD) all suggest that this variant is likely to be tolerated, but these predictions have not been confirmed by published functional studies and their clinical significance is uncertain. This variant is not present in population databases (ExAC no frequency). This variant has not been reported in the literature in individuals with POLE-related conditions. In summary, the available evidence is currently insufficient to determine the role of this variant in disease. Therefore, it has been classified as a Variant of Uncertain Significance.